The following is an entry in ClinVar:

ClinVar aggregate classification (germline): Pathogenic (1 of 4 stars; one submission).

Conditions:
GNE myopathy (NM). Also called: MYOPATHY, DISTAL, WITH OR WITHOUT RIMMED VACUOLES; IBM 2; Inclusion body myopathy autosomal recessive; Inclusion body myopathy quadriceps sparing; NONAKA DISTAL MYOPATHY; INCLUSION BODY MYOPATHY, HEREDITARY, AUTOSOMAL RECESSIVE. Identifiers: Orphanet 602, MedGen C1853926, MONDO:0011603, OMIM 605820.

Submission:

Natera, Inc.
Classification: Pathogenic for Nonaka myopathy. Last evaluated: 2026-01-13. Review status: criteria provided, single submitter. Criteria: Natera Variant Classification Schema (03/2026). Collection method: clinical testing. Allele origin: germline.
Comment: The c.1577G>A variant in GNE is a nonsense variant predicted to introduce a stop codon at amino acid 526. This variant is expected to result in nonsense mediated decay, truncation, or a dysfunctional protein product. This variant is rare in the general population with a frequency below the threshold expected for the associated phenotype(s). This variant has been observed in one or more individuals affected with the associated recessive disease, as either homozygous or compound heterozygous with a second variant (PMID: 23437777). Given the available evidence, this variant is classified as Pathogenic.

Literature cited by the submitters: PubMed 23437777.

NM_005476.7(GNE):c.1484G>A (p.Trp495Ter)

Gene: GNE (glucosamine (UDP-N-acetyl)-2-epimerase/N-acetylmannosamine kinase; minus strand). Cytogenetic location: 9p13.3.
Variant type: single nucleotide variant.
Coding change: c.1484G>A on transcript NM_005476.7 (MANE Select); coding-DNA position 1484, G replaced by A.
Protein change: p.Trp495Ter; replaces tryptophan 495 with a stop codon.
Molecular consequence: nonsense. On other transcripts: intron variant (1).
Genome position (GRCh38, 1-based): chr9:36,222,926, C>T on the plus strand (G>A on the coding strand, the complement: GNE is on the minus strand). VCF-style: chr9-36222926-C-T. GRCh37 (hg19) VCF-style: chr9-36222923-C-T.
Other names: c.1577G>A, p.Trp526Ter (NM_001128227.3); c.1154G>A, p.Trp385Ter (NM_001190384.3); c.1307G>A, p.Trp436Ter (NM_001190388.2, NM_001374798.1); c.1331G>A, p.Trp444Ter (NM_001374797.1); c.1411+447G>A (NM_001190383.3); short protein forms W385*, W436*, W444*, W495*, W526*.
Identifiers: ClinVar variation 4814600 (VCV004814600.1).